The following is an entry in ClinVar:

NM_001166114.2(PNPLA6):c.3027C>T (p.Ile1009=)

Gene: PNPLA6 (patatin like domain 6, lysophospholipase; plus strand). Cytogenetic location: 19p13.2.
Variant type: single nucleotide variant.
Coding change: c.3027C>T on transcript NM_001166114.2 (MANE Select); coding-DNA position 3027, C replaced by T.
Protein change: p.Ile1009=; no amino-acid change (isoleucine 1009 retained).
Molecular consequence: synonymous variant.
Genome position (GRCh38, 1-based): chr19:7,555,697, C>T. VCF-style: chr19-7555697-C-T. GRCh37 (hg19) VCF-style: chr19-7620583-C-T.
Other names: c.3057C>T, p.Ile1019= (NM_001166111.2); c.2832C>T, p.Ile944= (NM_001166112.2); c.2913C>T, p.Ile971= (NM_001166113.1, NM_006702.5).
Identifiers: ClinVar variation 761265 (VCV000761265.13), dbSNP rs746522719, ClinGen allele CA9140299.

ClinVar aggregate classification (germline): Likely benign. Review status: criteria provided, multiple submitters, no conflicts (2 of 4 stars). 3 submissions from 3 submitters: Likely benign (3). Last evaluated 2026-03-01.

Conditions:
Hereditary spastic paraplegia 39 (SPG39). Also called: Spastic Paraplegia Type 39 (SPG39); SPASTIC PARAPLEGIA 39, AUTOSOMAL RECESSIVE. Identifiers: Orphanet 139480, MedGen C2677586, MONDO:0012787, OMIM 612020.

Allele frequency attached by ClinVar (database versions not stated): gnomAD 0.00001; gnomAD exomes 0.00002 and 0.00004; ExAC 0.00003; TOPMed 0.00003.
gnomAD v4.1: 37 of 1,613,664 alleles (0.0023%); highest among the groups gnomAD compares: Middle Eastern, 0.017%; no homozygotes.

Submissions (3):

CeGaT Center for Human Genetics Tuebingen
Classification: Likely benign. Last evaluated: 2026-03-01. Review status: criteria provided, single submitter. Criteria: CeGaT Center For Human Genetics Tuebingen Variant Classification Criteria Version 2. Collection method: clinical testing. Allele origin: germline. Affected: yes. Observed: 2 variant alleles.
Comment: PNPLA6: BP4, BP7

Labcorp Genetics (formerly Invitae), Labcorp
Classification: Likely benign for Hereditary spastic paraplegia 39. Last evaluated: 2024-05-15. Review status: criteria provided, single submitter. Criteria: Invitae Variant Classification Sherloc (09022015). Collection method: clinical testing. Allele origin: germline.

Blueprint Genetics
Classification: Likely benign. Last evaluated: 2023-05-02. Review status: criteria provided, single submitter. Criteria: ACMG Guidelines, 2015. Collection method: clinical testing. Allele origin: germline.